The following is an entry in ClinVar:

ClinVar aggregate classification (germline): Uncertain significance. Review status: criteria provided, multiple submitters, no conflicts (2 of 4 stars). 4 submissions from 4 submitters: Uncertain significance (4). Last evaluated 2026-09-14.

Conditions:
ABHD12-related disorder. Also called: ABHD12-related condition.

Allele frequency attached by ClinVar (database versions not stated): gnomAD exomes below 0.00001 and 0.00002; TOPMed below 0.00001.
gnomAD v4.1: 32 of 1,612,990 alleles (0.002%); highest among the groups gnomAD compares: East Asian, 0.0022%; no homozygotes.

Submissions (4):

PreventionGenetics, part of Exact Sciences
Classification: Uncertain significance for ABHD12-related condition. Last evaluated: 2026-09-14. Review status: criteria provided, single submitter. Criteria: ACMG Guidelines, 2015. Collection method: clinical testing. Allele origin: germline.
Comment: The ABHD12 c.413T>C variant is predicted to result in the amino acid substitution p.Ile138Thr. To our knowledge, this variant has not been reported in the literature. This variant is reported in 0.0054% of alleles in individuals of East Asian descent in gnomAD. At this time, the clinical significance of this variant is uncertain due to the absence of conclusive functional and genetic evidence.

GeneDx
Classification: Uncertain significance. Last evaluated: 2026-02-17. Review status: criteria provided, single submitter. Criteria: GeneDx Variant Classification Process June 2021. Collection method: clinical testing. Allele origin: germline.
Comment: Not observed at significant frequency in large population cohorts (gnomAD); Has not been previously published as pathogenic or benign to our knowledge

Blueprint Genetics
Classification: Uncertain significance. Last evaluated: 2023-01-18. Review status: criteria provided, single submitter. Criteria: ACMG Guidelines, 2015. Collection method: clinical testing. Allele origin: germline.

Labcorp Genetics (formerly Invitae), Labcorp
Classification: Uncertain significance. Last evaluated: 2022-03-10. Review status: criteria provided, single submitter. Criteria: Invitae Variant Classification Sherloc (09022015). Collection method: clinical testing. Allele origin: germline.
Comment: In summary, the available evidence is currently insufficient to determine the role of this variant in disease. Therefore, it has been classified as a Variant of Uncertain Significance. Algorithms developed to predict the effect of missense changes on protein structure and function are either unavailable or do not agree on the potential impact of this missense change (SIFT: "Deleterious"; PolyPhen-2: "Benign"; Align-GVGD: "Class C0"). ClinVar contains an entry for this variant (Variation ID: 969851). This variant has not been reported in the literature in individuals affected with ABHD12-related conditions. This variant is present in population databases (no rsID available, gnomAD 0.006%). This sequence change replaces isoleucine, which is neutral and non-polar, with threonine, which is neutral and polar, at codon 138 of the ABHD12 protein (p.Ile138Thr).

NM_001042472.3(ABHD12):c.413T>C (p.Ile138Thr)

Gene: ABHD12 (abhydrolase domain containing 12, lysophospholipase; minus strand). Cytogenetic location: 20p11.21.
Variant type: single nucleotide variant.
Coding change: c.413T>C on transcript NM_001042472.3 (MANE Select); coding-DNA position 413, T replaced by C.
Protein change: p.Ile138Thr; replaces isoleucine 138 with threonine.
Molecular consequence: missense variant.
Genome position (GRCh38, 1-based): chr20:25,323,334, A>G on the plus strand (T>C on the coding strand, the complement: ABHD12 is on the minus strand). VCF-style: chr20-25323334-A-G. GRCh37 (hg19) VCF-style: chr20-25303970-A-G.
Other names: c.413T>C, p.Ile138Thr (NM_015600.5); short protein forms I138T.
Identifiers: ClinVar variation 969851 (VCV000969851.8), dbSNP rs971910677, ClinGen allele CA313676550.